The following is an entry in ClinVar:

NM_198904.4(GABRG2):c.276T>G (p.Ile92Met)

Gene: GABRG2 (gamma-aminobutyric acid type A receptor subunit gamma2; plus strand). Cytogenetic location: 5q34.
Variant type: single nucleotide variant.
Coding change: c.276T>G on transcript NM_198904.4 (MANE Select); coding-DNA position 276, T replaced by G.
Protein change: p.Ile92Met; replaces isoleucine 92 with methionine.
Molecular consequence: missense variant. On other transcripts: 5 prime UTR variant (3).
Genome position (GRCh38, 1-based): chr5:162,095,511, T>G. VCF-style: chr5-162095511-T-G. GRCh37 (hg19) VCF-style: chr5-161522517-T-G.
Other names: c.276T>G, p.Ile92Met (NM_000816.3, NM_001375340.1, NM_001375341.1 and 4 more transcripts); c.267T>G, p.Ile89Met (NM_001375339.1); c.210T>G, p.Ile70Met (NM_001375345.1, NM_001375346.1); c.189T>G, p.Ile63Met (NM_001375347.1); c.-83T>G (NM_001375348.1, NM_001375350.1); c.-10T>G (NM_001375349.1); short protein forms I63M, I70M, I89M, I92M.
Identifiers: ClinVar variation 2946455 (VCV002946455.3), dbSNP rs2532559703, ClinGen allele CA362183331.

ClinVar aggregate classification (germline): Uncertain significance (1 of 4 stars; one submission).

Conditions:
EPILEPSY, CHILDHOOD ABSENCE, SUSCEPTIBILITY TO, 2 (ECA2). Identifiers: Orphanet 64280, MedGen C1843244, OMIM 607681.
Febrile seizures, familial, 8 (FEB8). Also called: CONVULSIONS, FAMILIAL FEBRILE, 8. Identifiers: Orphanet 36387, MedGen C1969810, MONDO:0011891, OMIM 607681.

Submission:

Labcorp Genetics (formerly Invitae), Labcorp
Classification: Uncertain significance for Febrile seizures, familial, 8; EPILEPSY, CHILDHOOD ABSENCE, SUSCEPTIBILITY TO, 2. Last evaluated: 2023-05-18. Review status: criteria provided, single submitter. Criteria: Invitae Variant Classification Sherloc (09022015). Collection method: clinical testing. Allele origin: germline.
Comment: Advanced modeling of protein sequence and biophysical properties (such as structural, functional, and spatial information, amino acid conservation, physicochemical variation, residue mobility, and thermodynamic stability) has been performed at Invitae for this missense variant, however the output from this modeling did not meet the statistical confidence thresholds required to predict the impact of this variant on GABRG2 protein function. This sequence change replaces isoleucine, which is neutral and non-polar, with methionine, which is neutral and non-polar, at codon 92 of the GABRG2 protein (p.Ile92Met). This variant is not present in population databases (gnomAD no frequency). This variant has not been reported in the literature in individuals affected with GABRG2-related conditions. In summary, the available evidence is currently insufficient to determine the role of this variant in disease. Therefore, it has been classified as a Variant of Uncertain Significance.